The following is an entry in ClinVar:

NM_000455.5(STK11):c.384G>A (p.Val128=)

Gene: STK11 (serine/threonine kinase 11; plus strand). Cytogenetic location: 19p13.3.
Variant type: single nucleotide variant.
Coding change: c.384G>A on transcript NM_000455.5 (MANE Select); coding-DNA position 384, G replaced by A.
Protein change: p.Val128=; no amino-acid change (valine 128 retained).
Molecular consequence: synonymous variant. On other transcripts: non-coding transcript variant (1).
Genome position (GRCh38, 1-based): chr19:1,219,333, G>A. VCF-style: chr19-1219333-G-A. GRCh37 (hg19) VCF-style: chr19-1219332-G-A.
Other names: c.384G>A, p.Val128= (NM_001407255.1).
Identifiers: ClinVar variation 3728668 (VCV003728668.2).
Genomic context (GRCh38, chr19:1,219,333, plus strand): 5'-TGGGCCTGTGAGTGGGGCCGCCCCCTGAGCTGTGTGTCCTTAGCGCCCCACGTATATGGT[G>A]ATGGAGTACTGCGTGTGTGGCATGCAGGAAATGCTGGACAGCGTGCCGGAGAAGCGTTTC-3'
Protein context (NP_000446.1, residues 118-138): YNEEKQKMYM[Val128=]MEYCVCGMQE

ClinVar aggregate classification (germline): Uncertain significance (1 of 4 stars; one submission).

Conditions:
Peutz-Jeghers syndrome (PJS). Also called: POLYPOSIS, HAMARTOMATOUS INTESTINAL; POLYPS-AND-SPOTS SYNDROME; Peutz-Jeghers polyposis; Periorificial lentiginosis syndrome. Identifiers: Orphanet 2869, MedGen C0031269, MeSH D010580, MONDO:0008280, OMIM 175200.

Submission:

Labcorp Genetics (formerly Invitae), Labcorp
Classification: Uncertain significance for Peutz-Jeghers syndrome. Last evaluated: 2025-01-08. Review status: criteria provided, single submitter. Criteria: Invitae Variant Classification Sherloc (09022015). Collection method: clinical testing. Allele origin: germline.
Comment: This sequence change affects codon 128 of the STK11 mRNA. It is a 'silent' change, meaning that it does not change the encoded amino acid sequence of the STK11 protein. This variant is not present in population databases (gnomAD no frequency). This variant has not been reported in the literature in individuals affected with STK11-related conditions. Algorithms developed to predict the effect of sequence changes on RNA splicing suggest that this variant may disrupt the consensus splice site. In summary, the available evidence is currently insufficient to determine the role of this variant in disease. Therefore, it has been classified as a Variant of Uncertain Significance.